The following is an entry in ClinVar:

NM_024537.4(CARS2):c.358G>A (p.Asp120Asn)

Gene: CARS2 (cysteinyl-tRNA synthetase 2, mitochondrial; minus strand). Cytogenetic location: 13q34.
Variant type: single nucleotide variant.
Coding change: c.358G>A on transcript NM_024537.4 (MANE Select); coding-DNA position 358, G replaced by A.
Protein change: p.Asp120Asn; replaces aspartic acid 120 with asparagine.
Molecular consequence: missense variant. On other transcripts: 5 prime UTR variant (1), non-coding transcript variant (2).
Genome position (GRCh38, 1-based): chr13:110,701,473, C>T on the plus strand (G>A on the coding strand, the complement: CARS2 is on the minus strand). VCF-style: chr13-110701473-C-T. GRCh37 (hg19) VCF-style: chr13-111353820-C-T.
Other names: c.-642G>A (NM_001352252.2); c.358G>A, p.Asp120Asn (NM_001352253.3); c.358G>A (NM_024537.2); short protein forms D120N.
Identifiers: ClinVar variation 1353982 (VCV001353982.9), dbSNP rs988495210, ClinGen allele CA256322742.

ClinVar aggregate classification (germline): Uncertain significance. Review status: criteria provided, multiple submitters, no conflicts (2 of 4 stars). 2 submissions from 2 submitters: Uncertain significance (2). Last evaluated 2025-10-22.

Conditions:
Inborn genetic diseases. Identifiers: MedGen C0950123, MeSH D030342.
Combined oxidative phosphorylation defect type 27. Also called: Combined oxidative phosphorylation deficiency 27. Identifiers: Orphanet 477774, MedGen C5567608, MONDO:0014728, OMIM 616672.

Allele frequency attached by ClinVar (database versions not stated): gnomAD exomes below 0.00001; gnomAD 0.00001; TOPMed 0.00001.

Submissions (2):

Ambry Genetics
Classification: Uncertain significance for Inborn genetic diseases. Last evaluated: 2025-10-22. Review status: criteria provided, single submitter. Criteria: Ambry Variant Classification Scheme 2023. Collection method: clinical testing. Allele origin: germline.

Labcorp Genetics (formerly Invitae), Labcorp
Classification: Uncertain significance for Combined oxidative phosphorylation defect type 27. Last evaluated: 2021-05-12. Review status: criteria provided, single submitter. Criteria: Invitae Variant Classification Sherloc (09022015). Collection method: clinical testing. Allele origin: germline.
Comment: In summary, the available evidence is currently insufficient to determine the role of this variant in disease. Therefore, it has been classified as a Variant of Uncertain Significance. Algorithms developed to predict the effect of missense changes on protein structure and function are either unavailable or do not agree on the potential impact of this missense change (SIFT: "Deleterious"; PolyPhen-2: "Probably Damaging"; Align-GVGD: "Class C15"). This variant has not been reported in the literature in individuals with CARS2-related conditions. This variant is not present in population databases (ExAC no frequency). This sequence change replaces aspartic acid with asparagine at codon 120 of the CARS2 protein (p.Asp120Asn). The aspartic acid residue is highly conserved and there is a small physicochemical difference between aspartic acid and asparagine.